The following is an entry in ClinVar:

NM_005502.4(ABCA1):c.*1154C>A

Genes: ABCA1 (ATP binding cassette subfamily A member 1; minus strand), NIPSNAP3B (nipsnap homolog 3B; plus strand). Cytogenetic location: 9q31.1.
Variant type: single nucleotide variant.
Coding change: c.*1154C>A on transcript NM_005502.4 (MANE Select); 1154 bases downstream of the stop codon, C replaced by A.
Molecular consequence: 3 prime UTR variant.
Genome position (GRCh38, 1-based): chr9:104,783,161, G>T on the plus strand (C>A on the coding strand, the complement: ABCA1 is on the minus strand). VCF-style: chr9-104783161-G-T. GRCh37 (hg19) VCF-style: chr9-107545442-G-T.
Identifiers: ClinVar variation 912666 (VCV000912666.4), dbSNP rs186900352, ClinGen allele CA197395239.

ClinVar aggregate classification (germline): Conflicting classifications of pathogenicity. Review status: criteria provided, conflicting classifications (1 of 4 stars). 2 submissions from 1 submitter: Uncertain significance (1); Benign (1). Last evaluated 2018-01-13.

Conditions:
Hypoalphalipoproteinemia, primary, 1. Identifiers: Orphanet 425, MedGen C5231558, MONDO:0011393, OMIM 604091.
Tangier disease (TGD). Also called: HIGH DENSITY LIPOPROTEIN DEFICIENCY, TANGIER TYPE; HIGH DENSITY LIPOPROTEIN DEFICIENCY, TYPE 1; Cholesterol thesaurismosis. Identifiers: Orphanet 31150, MedGen C0039292, MONDO:0008783, OMIM 205400.

Allele frequency attached by ClinVar (database versions not stated): gnomAD 0.00014 and 0.00023; 1000 Genomes Project 0.00180; TOPMed 0.00036; 1000 Genomes Project 30x 0.00141.

Submissions (2):

Illumina Laboratory Services, Illumina
Classification: Benign for Hypoalphalipoproteinemia, primary, 1. Last evaluated: 2018-01-13. Review status: criteria provided, single submitter. Criteria: ICSL Variant Classification Criteria 13 December 2019. Collection method: clinical testing. Allele origin: germline.
Comment: This variant was observed in the ICSL laboratory as part of a predisposition screen in an ostensibly healthy population. It had not been previously curated by ICSL or reported in the Human Gene Mutation Database (HGMD: prior to June 1st, 2018), and was therefore a candidate for classification through an automated scoring system. Utilizing variant allele frequency, disease prevalence and penetrance estimates, and inheritance mode, an automated score was calculated to assess if this variant is too frequent to cause the disease. Based on the score and internal cut-off values, a variant classified as benign is not then subjected to further curation. The score for this variant resulted in a classification of benign for this disease.

Illumina Laboratory Services, Illumina
Classification: Uncertain significance for Tangier disease. Last evaluated: 2018-01-13. Review status: criteria provided, single submitter. Criteria: ICSL Variant Classification Criteria 13 December 2019. Collection method: clinical testing. Allele origin: germline.